The following is an entry in ClinVar:

NM_001308093.3(GATA4):c.430G>A (p.Ala144Thr)

Gene: GATA4 (GATA binding protein 4). Cytogenetic location: 8p23.1.
Variant type: single nucleotide variant.
Coding change: c.430G>A on transcript NM_001308093.3 (MANE Select); coding-DNA position 430, G replaced by A.
Protein change: p.Ala144Thr; replaces alanine 144 with threonine.
Molecular consequence: missense variant. On other transcripts: intron variant (3).
Genome position (GRCh38, 1-based): chr8:11,708,742, G>A. VCF-style: chr8-11708742-G-A. GRCh37 (hg19) VCF-style: chr8-11566251-G-A.
Other names: c.430G>A, p.Ala144Thr (NM_002052.5); c.-6+7964G>A (NM_001308094.2); c.-3+728G>A (NM_001374274.1); c.-3+4438G>A (NM_001374273.1); short protein forms A144T.
Identifiers: ClinVar variation 1898225 (VCV001898225.5), dbSNP rs1264069950, ClinGen allele CA370309602.

ClinVar aggregate classification (germline): Uncertain significance (1 of 4 stars; one submission).

Conditions:
Atrioventricular septal defect 4 (AVSD4). Identifiers: MedGen C3280781, MONDO:0013747, OMIM 614430.

Submission:

Labcorp Genetics (formerly Invitae), Labcorp
Classification: Uncertain significance for Atrioventricular septal defect 4. Last evaluated: 2025-02-24. Review status: criteria provided, single submitter. Criteria: Invitae Variant Classification Sherloc (09022015). Collection method: clinical testing. Allele origin: germline.
Comment: This sequence change replaces alanine, which is neutral and non-polar, with threonine, which is neutral and polar, at codon 144 of the GATA4 protein (p.Ala144Thr). This variant is not present in population databases (gnomAD no frequency). This variant has not been reported in the literature in individuals affected with GATA4-related conditions. ClinVar contains an entry for this variant (Variation ID: 1898225). Invitae Evidence Modeling of protein sequence and biophysical properties (such as structural, functional, and spatial information, amino acid conservation, physicochemical variation, residue mobility, and thermodynamic stability) indicates that this missense variant is not expected to disrupt GATA4 protein function with a negative predictive value of 95%. In summary, the available evidence is currently insufficient to determine the role of this variant in disease. Therefore, it has been classified as a Variant of Uncertain Significance.